The following is an entry in ClinVar:

ClinVar aggregate classification (germline): Likely pathogenic (1 of 4 stars; one submission).

Submission:

GeneDx
Classification: Likely pathogenic. Last evaluated: 2024-05-09. Review status: criteria provided, single submitter. Criteria: GeneDx Variant Classification Process June 2021. Collection method: clinical testing. Allele origin: germline. Affected: yes.
Comment: Previously reported in an individual with a dystrophinopathy (PMID: 31412794); Not observed at significant frequency in large population cohorts (gnomAD); Frameshift variant predicted to result in protein truncation or nonsense mediated decay in a gene for which loss of function is a known mechanism of disease; This variant is associated with the following publications: (PMID: 31412794)

NM_004006.2(DMD):c.1152del

Gene: DMD (dystrophin; minus strand). Cytogenetic location: Xp21.1.
Variant type: Deletion.
Coding change: c.1152del on transcript NM_004006.2; coding-DNA position 1152, one base deleted (G; older notation c.1152delG).
Genome position (GRCh38, 1-based): chrX:32,644,311, C deleted on the plus strand (G on the coding strand, the reverse complement: DMD is on the minus strand); the first of 4 consecutive C bases (chrX:32,644,311-32,644,314); deleting any one gives the same sequence. VCF-style (leftmost placement, unchanged base first): chrX-32644310-AC-A. GRCh37 (hg19) VCF-style: chrX-32662427-AC-A.
Identifiers: ClinVar variation 3375759 (VCV003375759.1).